The following is an entry in ClinVar:

NM_021625.5(TRPV4):c.745C>T (p.Arg249Cys)

Gene: TRPV4 (transient receptor potential cation channel subfamily V member 4; minus strand). Cytogenetic location: 12q24.11.
Variant type: single nucleotide variant.
Coding change: c.745C>T on transcript NM_021625.5 (MANE Select); coding-DNA position 745, C replaced by T.
Protein change: p.Arg249Cys; replaces arginine 249 with cysteine.
Molecular consequence: missense variant. On other transcripts: intron variant (2).
Genome position (GRCh38, 1-based): chr12:109,800,726, G>A on the plus strand (C>T on the coding strand, the complement: TRPV4 is on the minus strand). VCF-style: chr12-109800726-G-A. GRCh37 (hg19) VCF-style: chr12-110238531-G-A.
Other names: c.643C>T, p.Arg215Cys (NM_001177431.2); c.745C>T, p.Arg249Cys (NM_147204.3); c.713-1814C>T (NM_001177433.1, NM_001177428.1); short protein forms R249C, R215C.
Identifiers: ClinVar variation 946705 (VCV000946705.9), dbSNP rs148041016, ClinGen allele CA6780433.

ClinVar aggregate classification (germline): Uncertain significance. Review status: criteria provided, multiple submitters, no conflicts (2 of 4 stars). 2 submissions from 2 submitters: Uncertain significance (2). Last evaluated 2025-12-29.

Conditions:
TRPV4-related disorder. Also called: TRPV4-related condition; TRPV4-related disorders.
Charcot-Marie-Tooth disease axonal type 2C (HMSN2C). Also called: Charcot-Marie-Tooth Disease Type 2, TRPV4-Related (CMT2C); CHARCOT-MARIE-TOOTH DISEASE, AXONAL, AUTOSOMAL DOMINANT, TYPE 2C; Charcot-Marie-Tooth Neuropathy Type 2C. Identifiers: Orphanet 99937, MedGen C1853710, MONDO:0011633, OMIM 606071.

Allele frequency attached by ClinVar (database versions not stated): gnomAD exomes 0.00003 and 0.00002; gnomAD 0.00007 and 0.00006; ExAC 0.00002; ESP Exome Variant Server 0.00008; TOPMed 0.00005.
gnomAD v4.1: 55 of 1,613,924 alleles (0.0034%); highest among the groups gnomAD compares: African/African-American, 0.0067%; no homozygotes.

Submissions (2):

PreventionGenetics, part of Exact Sciences
Classification: Uncertain significance for TRPV4-related condition. Last evaluated: 2025-12-29. Review status: criteria provided, single submitter. Criteria: ACMG Guidelines, 2015. Collection method: clinical testing. Allele origin: germline.
Comment: The TRPV4 c.745C>T variant is predicted to result in the amino acid substitution p.Arg249Cys. To our knowledge, this variant has not been reported in the literature. This variant is reported in 0.0040% of alleles in individuals of African descent in gnomAD. At this time, the clinical significance of this variant is uncertain due to the absence of conclusive functional and genetic evidence.

Labcorp Genetics (formerly Invitae), Labcorp
Classification: Uncertain significance for Charcot-Marie-Tooth disease axonal type 2C. Last evaluated: 2025-10-08. Review status: criteria provided, single submitter. Criteria: Invitae Variant Classification Sherloc (09022015). Collection method: clinical testing. Allele origin: germline.
Comment: This sequence change replaces arginine, which is basic and polar, with cysteine, which is neutral and slightly polar, at codon 249 of the TRPV4 protein (p.Arg249Cys). This variant is present in population databases (rs148041016, gnomAD 0.005%). This variant has not been reported in the literature in individuals affected with TRPV4-related conditions. ClinVar contains an entry for this variant (Variation ID: 946705). Invitae Evidence Modeling of protein sequence and biophysical properties (such as structural, functional, and spatial information, amino acid conservation, physicochemical variation, residue mobility, and thermodynamic stability) indicates that this missense variant is expected to disrupt TRPV4 protein function with a positive predictive value of 95%. In summary, the available evidence is currently insufficient to determine the role of this variant in disease. Therefore, it has been classified as a Variant of Uncertain Significance.